The following is an entry in ClinVar:

ClinVar aggregate classification (germline): Likely benign (1 of 4 stars; one submission).

Allele frequency attached by ClinVar (database versions not stated): gnomAD exomes below 0.00001; TOPMed below 0.00001; ExAC 0.00002.

Submission:

CeGaT Center for Human Genetics Tuebingen
Classification: Likely benign. Last evaluated: 2023-01-01. Review status: criteria provided, single submitter. Criteria: CeGaT Center For Human Genetics Tuebingen Variant Classification Criteria Version 2. Collection method: clinical testing. Allele origin: germline. Affected: yes. Observed: 1 variant allele.
Comment: SETD2: BP4, BP7

NM_014159.7(SETD2):c.5574T>C (p.Pro1858=)

Gene: SETD2 (SET domain containing 2, histone lysine methyltransferase; minus strand). Cytogenetic location: 3p21.31.
Variant type: single nucleotide variant.
Coding change: c.5574T>C on transcript NM_014159.7 (MANE Select); coding-DNA position 5574, T replaced by C.
Protein change: p.Pro1858=; no amino-acid change (proline 1858 retained).
Molecular consequence: synonymous variant. On other transcripts: non-coding transcript variant (1).
Genome position (GRCh38, 1-based): chr3:47,084,206, A>G on the plus strand (T>C on the coding strand, the complement: SETD2 is on the minus strand). VCF-style: chr3-47084206-A-G. GRCh37 (hg19) VCF-style: chr3-47125696-A-G.
Other names: c.5442T>C, p.Pro1814= (NM_001349370.3).
Identifiers: ClinVar variation 2653743 (VCV002653743.24), dbSNP rs765302842, ClinGen allele CA2362878.